The following is an entry in ClinVar:

NM_001048174.2(MUTYH):c.909G>T (p.Glu303Asp)

Gene: MUTYH (mutY DNA glycosylase; minus strand). Cytogenetic location: 1p34.1.
Variant type: single nucleotide variant.
Coding change: c.909G>T on transcript NM_001048174.2 (MANE Select); coding-DNA position 909, G replaced by T.
Protein change: p.Glu303Asp; replaces glutamic acid 303 with aspartic acid.
Molecular consequence: missense variant. On other transcripts: non-coding transcript variant (2).
Genome position (GRCh38, 1-based): chr1:45,332,027, C>A on the plus strand (G>T on the coding strand, the complement: MUTYH is on the minus strand). VCF-style: chr1-45332027-C-A. GRCh37 (hg19) VCF-style: chr1-45797699-C-A.
Other names: c.909G>T, p.Glu303Asp (NM_001048171.2, NM_001048173.2, NM_001293195.2); c.912G>T, p.Glu304Asp (NM_001048172.2); c.993G>T, p.Glu331Asp (NM_001128425.2); c.954G>T, p.Glu318Asp (NM_001293190.2); c.942G>T, p.Glu314Asp (NM_001293191.2); c.633G>T, p.Glu211Asp (NM_001293192.2, NM_001293196.2); c.564G>T, p.Glu188Asp (NM_001350650.2, NM_001350651.2); c.984G>T, p.Glu328Asp (NM_012222.3); short protein forms E304D, E188D, E303D, E211D, E318D, E331D, E314D, E328D.
Identifiers: ClinVar variation 950261 (VCV000950261.11), dbSNP rs376830217, ClinGen allele CA340134013.

ClinVar aggregate classification (germline): Conflicting classifications of pathogenicity. Review status: criteria provided, conflicting classifications (1 of 4 stars). 2 submissions from 2 submitters: Uncertain significance (1); Benign (1). Last evaluated 2025-09-09.

Conditions:
Hereditary cancer-predisposing syndrome. Also called: Tumor predisposition; Hereditary Cancer Syndrome; Neoplastic Syndromes, Hereditary; Hereditary neoplastic syndrome. Identifiers: Orphanet 140162, MedGen C0027672, MeSH D009386, MONDO:0015356.
Familial adenomatous polyposis 2. Also called: COLORECTAL ADENOMATOUS POLYPOSIS, AUTOSOMAL RECESSIVE; ADENOMAS, MULTIPLE COLORECTAL, AUTOSOMAL RECESSIVE; MYH-associated polyposis; FAP type 2; MUTYH-associated polyposis; MUTYH-related attenuated familial adenomatous polyposis. Identifiers: Orphanet 220460, Orphanet 247798, MedGen C3272841, MONDO:0012041, OMIM 608456.

Allele frequency attached by ClinVar (database versions not stated): gnomAD exomes below 0.00001.

Submissions (2):

Ambry Genetics
Classification: Benign for Hereditary cancer-predisposing syndrome. Last evaluated: 2025-09-09. Review status: criteria provided, single submitter. Criteria: Ambry Variant Classification Scheme 2023. Collection method: clinical testing. Allele origin: germline.

Labcorp Genetics (formerly Invitae), Labcorp
Classification: Uncertain significance for Familial adenomatous polyposis 2. Last evaluated: 2022-01-12. Review status: criteria provided, single submitter. Criteria: Invitae Variant Classification Sherloc (09022015). Collection method: clinical testing. Allele origin: germline.
Comment: In summary, the available evidence is currently insufficient to determine the role of this variant in disease. Therefore, it has been classified as a Variant of Uncertain Significance. Algorithms developed to predict the effect of missense changes on protein structure and function output the following: SIFT: "Tolerated"; PolyPhen-2: "Benign"; Align-GVGD: "Class C0". The aspartic acid amino acid residue is found in multiple mammalian species, which suggests that this missense change does not adversely affect protein function. ClinVar contains an entry for this variant (Variation ID: 950261). This variant has not been reported in the literature in individuals affected with MUTYH-related conditions. This variant is not present in population databases (gnomAD no frequency). This sequence change replaces glutamic acid, which is acidic and polar, with aspartic acid, which is acidic and polar, at codon 331 of the MUTYH protein (p.Glu331Asp).